The following is an entry in ClinVar:

NM_032578.4(MYPN):c.3302C>A (p.Pro1101His)

Gene: MYPN (myopalladin; plus strand). Cytogenetic location: 10q21.3.
Variant type: single nucleotide variant.
Coding change: c.3302C>A on transcript NM_032578.4 (MANE Select); coding-DNA position 3302, C replaced by A.
Protein change: p.Pro1101His; replaces proline 1101 with histidine.
Molecular consequence: missense variant. On other transcripts: non-coding transcript variant (2).
Genome position (GRCh38, 1-based): chr10:68,199,384, C>A. VCF-style: chr10-68199384-C-A. GRCh37 (hg19) VCF-style: chr10-69959141-C-A.
Other names: c.3302C>A, p.Pro1101His (NM_001256267.2); c.2420C>A, p.Pro807His (NM_001256268.2); short protein forms P1101H, P807H.
Identifiers: ClinVar variation 1729997 (VCV001729997.2), dbSNP rs2043669159, ClinGen allele CA376858908.

ClinVar aggregate classification (germline): Uncertain significance (1 of 4 stars; one submission).

Conditions:
Cardiovascular phenotype. Identifiers: MedGen CN230736.

gnomAD v4.1: 2 of 1,614,024 alleles (0.00012%); highest among the groups gnomAD compares: South Asian, 0.0022%; no homozygotes.

Submission:

Ambry Genetics
Classification: Uncertain significance for Cardiovascular phenotype. Last evaluated: 2021-10-21. Review status: criteria provided, single submitter. Criteria: Ambry Variant Classification Scheme 2023. Collection method: clinical testing. Allele origin: germline.
Comment: The p.P1101H variant (also known as c.3302C>A), located in coding exon 16 of the MYPN gene, results from a C to A substitution at nucleotide position 3302. The proline at codon 1101 is replaced by histidine, an amino acid with similar properties. This amino acid position is conserved. In addition, this alteration is predicted to be tolerated by in silico analysis. Since supporting evidence is limited at this time, the clinical significance of this alteration remains unclear.